The following is an entry in ClinVar:

NM_003072.5(SMARCA4):c.2371G>T (p.Ala791Ser)

Gene: SMARCA4 (SWI/SNF related BAF chromatin remodeling complex subunit ATPase 4; plus strand). Cytogenetic location: 19p13.2.
Variant type: single nucleotide variant.
Coding change: c.2371G>T on transcript NM_003072.5 (MANE Select); coding-DNA position 2371, G replaced by T.
Protein change: p.Ala791Ser; replaces alanine 791 with serine.
Molecular consequence: missense variant. On other transcripts: non-coding transcript variant (1).
Genome position (GRCh38, 1-based): chr19:11,013,045, G>T. VCF-style: chr19-11013045-G-T. GRCh37 (hg19) VCF-style: chr19-11123721-G-T.
Other names: c.2371G>T, p.Ala791Ser (NM_001128844.3, NM_001128845.2, NM_001128846.2 and 6 more transcripts); short protein forms A791S.
Identifiers: ClinVar variation 3446033 (VCV003446033.2).

ClinVar aggregate classification (germline): Uncertain significance. Review status: criteria provided, multiple submitters, no conflicts (2 of 4 stars). 2 submissions from 2 submitters: Uncertain significance (2). Last evaluated 2025-11-19.

Conditions:
Rhabdoid tumor predisposition syndrome 2 (RTPS2). Identifiers: Orphanet 231108, Orphanet 69077, MedGen C2750074, MONDO:0013224, OMIM 613325.
Hereditary cancer-predisposing syndrome. Also called: Tumor predisposition; Neoplastic Syndromes, Hereditary; Hereditary neoplastic syndrome; Hereditary Cancer Syndrome. Identifiers: Orphanet 140162, MedGen C0027672, MeSH D009386, MONDO:0015356.

Submissions (2):

Labcorp Genetics (formerly Invitae), Labcorp
Classification: Uncertain significance for Rhabdoid tumor predisposition syndrome 2. Last evaluated: 2025-11-19. Review status: criteria provided, single submitter. Criteria: Invitae Variant Classification Sherloc (09022015). Collection method: clinical testing. Allele origin: germline.
Comment: This sequence change replaces alanine, which is neutral and non-polar, with serine, which is neutral and polar, at codon 791 of the SMARCA4 protein (p.Ala791Ser). This variant is not present in population databases (gnomAD no frequency). This variant has not been reported in the literature in individuals affected with SMARCA4-related conditions. ClinVar contains an entry for this variant (Variation ID: 3446033). Invitae Evidence Modeling of protein sequence and biophysical properties (such as structural, functional, and spatial information, amino acid conservation, physicochemical variation, residue mobility, and thermodynamic stability) has been performed for this missense variant. However, the output from this modeling did not meet the statistical confidence thresholds required to predict the impact of this variant on SMARCA4 protein function. In summary, the available evidence is currently insufficient to determine the role of this variant in disease. Therefore, it has been classified as a Variant of Uncertain Significance.

Ambry Genetics
Classification: Uncertain significance for Hereditary cancer-predisposing syndrome. Last evaluated: 2024-12-02. Review status: criteria provided, single submitter. Criteria: Ambry Variant Classification Scheme 2023. Collection method: clinical testing. Allele origin: germline.
Comment: The p.A791S variant (also known as c.2371G>T), located in coding exon 15 of the SMARCA4 gene, results from a G to T substitution at nucleotide position 2371. The alanine at codon 791 is replaced by serine, an amino acid with similar properties. This amino acid position is conserved. In addition, the in silico prediction for this alteration is inconclusive. Based on the available evidence, the clinical significance of this variant remains unclear.